The following is an entry in ClinVar:

NM_001943.5(DSG2):c.595A>G (p.Arg199Gly)

Gene: DSG2 (desmoglein 2; plus strand). Cytogenetic location: 18q12.1.
Variant type: single nucleotide variant.
Coding change: c.595A>G on transcript NM_001943.5 (MANE Select); coding-DNA position 595, A replaced by G.
Protein change: p.Arg199Gly; replaces arginine 199 with glycine.
Molecular consequence: missense variant.
Genome position (GRCh38, 1-based): chr18:31,522,154, A>G. VCF-style: chr18-31522154-A-G. GRCh37 (hg19) VCF-style: chr18-29102117-A-G.
Other names: short protein forms R199G.
Identifiers: ClinVar variation 1332387 (VCV001332387.3), dbSNP rs1178317800, ClinGen allele CA402133631.

ClinVar aggregate classification (germline): Uncertain significance (1 of 4 stars; one submission).

Conditions:
Cardiomyopathy (CMYO). Also called: Cardiomyopathies. Identifiers: Orphanet 167848, MedGen C0878544, MONDO:0004994, HP:0001638. Inheritance: Various modes of inheritance.

Allele frequency attached by ClinVar (database versions not stated): gnomAD exomes below 0.00001.
gnomAD v4.1: 2 of 1,613,890 alleles (0.00012%); highest among the groups gnomAD compares: East Asian, 0.0045%; no homozygotes.

Submission:

Color Diagnostics, LLC DBA Color Health
Classification: Uncertain significance for Cardiomyopathy. Last evaluated: 2024-03-06. Review status: criteria provided, single submitter. Criteria: ACMG Guidelines, 2015. Collection method: clinical testing. Allele origin: germline.
Comment: This missense variant replaces arginine with glycine at codon 199 of the DSG2 protein. Computational prediction suggests that this variant may not impact protein structure and function (internally defined REVEL score threshold <= 0.5, PMID: 27666373). To our knowledge, functional studies have not been reported for this variant. This variant has not been reported in individuals affected with cardiovascular disorders in the literature. This variant has been identified in 1/249372 chromosomes in the general population by the Genome Aggregation Database (gnomAD). The available evidence is insufficient to determine the role of this variant in disease conclusively. Therefore, this variant is classified as a Variant of Uncertain Significance.